The following is an entry in ClinVar:

NM_005535.3(IL12RB1):c.936T>C (p.Ala312=)

Gene: IL12RB1 (interleukin 12 receptor subunit beta 1; minus strand). Cytogenetic location: 19p13.11.
Variant type: single nucleotide variant.
Coding change: c.936T>C on transcript NM_005535.3 (MANE Select); coding-DNA position 936, T replaced by C.
Protein change: p.Ala312=; no amino-acid change (alanine 312 retained).
Molecular consequence: synonymous variant.
Genome position (GRCh38, 1-based): chr19:18,072,197, A>G on the plus strand (T>C on the coding strand, the complement: IL12RB1 is on the minus strand). VCF-style: chr19-18072197-A-G. GRCh37 (hg19) VCF-style: chr19-18183007-A-G.
Other names: c.936T>C, p.Ala312= (NM_001290023.2, NM_153701.3); c.1056T>C, p.Ala352= (NM_001290024.2).
Identifiers: ClinVar variation 1151476 (VCV001151476.31), dbSNP rs374776013, ClinGen allele CA9305028.

ClinVar aggregate classification (germline): Likely benign. Review status: criteria provided, multiple submitters, no conflicts (2 of 4 stars). 2 submissions from 2 submitters: Likely benign (2). Last evaluated 2024-02-01.

Conditions:
Mendelian susceptibility to mycobacterial diseases due to complete IL12RB1 deficiency. Also called: IL12RB1 DEFICIENCY; Immunodeficiency 30. Identifiers: Orphanet 319552, MedGen C4013949, MONDO:0013955, OMIM 614891.

Allele frequency attached by ClinVar (database versions not stated): gnomAD exomes below 0.00001; TOPMed below 0.00001; gnomAD 0.00001; ESP Exome Variant Server 0.00008.
gnomAD v4.1: 4 of 1,614,020 alleles (0.00025%); highest among the groups gnomAD compares: Non-Finnish European, 0.00034%; no homozygotes.

Submissions (2):

CeGaT Center for Human Genetics Tuebingen
Classification: Likely benign. Last evaluated: 2024-02-01. Review status: criteria provided, single submitter. Criteria: CeGaT Center For Human Genetics Tuebingen Variant Classification Criteria Version 2. Collection method: clinical testing. Allele origin: germline. Affected: yes. Observed: 1 variant allele.
Comment: IL12RB1: BP4, BP7

Labcorp Genetics (formerly Invitae), Labcorp
Classification: Likely benign for Mendelian susceptibility to mycobacterial diseases due to complete IL12RB1 deficiency. Last evaluated: 2019-11-12. Review status: criteria provided, single submitter. Criteria: Invitae Variant Classification Sherloc (09022015). Collection method: clinical testing. Allele origin: germline.